The following is an entry in ClinVar:

NM_000443.4(ABCB4):c.2925-8C>T

Gene: ABCB4 (ATP binding cassette subfamily B member 4; minus strand). Cytogenetic location: 7q21.12.
Variant type: single nucleotide variant.
Coding change: c.2925-8C>T on transcript NM_000443.4 (MANE Select); 8 bases into the intron before coding-DNA position 2925, C replaced by T.
Molecular consequence: intron variant.
Genome position (GRCh38, 1-based): chr7:87,409,400, G>A on the plus strand (C>T on the coding strand, the complement: ABCB4 is on the minus strand). VCF-style: chr7-87409400-G-A. GRCh37 (hg19) VCF-style: chr7-87038716-G-A.
Other names: c.2925-8C>T (NM_000443.3, NM_018849.3); c.2784-8C>T (NM_018850.3).
Identifiers: ClinVar variation 2912784 (VCV002912784.4), dbSNP rs756238268, ClinGen allele CA4326895.

ClinVar aggregate classification (germline): Likely benign. Review status: criteria provided, single submitter (1 of 4 stars). 2 submissions from 2 submitters: Likely benign (1). 1 of the submissions does not count toward it. Last evaluated 2025-09-01.

Conditions:
ABCB4-related disorder. Also called: ABCB4-related disorders; ABCB4-related condition.

Allele frequency attached by ClinVar (database versions not stated): gnomAD exomes 0.00006; TOPMed 0.00007; ExAC 0.00021; gnomAD 0.00006.
gnomAD v4.1: 100 of 1,613,672 alleles (0.0062%); highest among the groups gnomAD compares: Admixed American, 0.047%; no homozygotes.

Submissions (2):

Labcorp Genetics (formerly Invitae), Labcorp
Classification: Likely benign. Last evaluated: 2025-09-01. Review status: criteria provided, single submitter. Criteria: Invitae Variant Classification Sherloc (09022015). Collection method: clinical testing. Allele origin: germline.

PreventionGenetics, part of Exact Sciences
Classification: Likely benign for ABCB4-related condition. Last evaluated: 2024-04-02. Review status: no assertion criteria provided. Collection method: clinical testing. Allele origin: germline. Not counted in ClinVar's aggregate classification.
Comment: This variant is classified as likely benign based on ACMG/AMP sequence variant interpretation guidelines (Richards et al. 2015 PMID: 25741868, with internal and published modifications).